The following is an entry in ClinVar:

ClinVar aggregate classification (germline): Benign/Likely benign. Review status: criteria provided, multiple submitters, no conflicts (2 of 4 stars). 7 submissions from 7 submitters: Benign (1); Likely benign (4). 2 of the submissions do not count toward it. Last evaluated 2026-08-01.

Allele frequency attached by ClinVar (database versions not stated): gnomAD exomes 0.00048; gnomAD 0.00091 and 0.00105; ExAC 0.00227.
gnomAD v4.1: 791 of 1,480,280 alleles (0.053%); highest among the groups gnomAD compares: Middle Eastern, 0.55%; 7 homozygotes.

Submissions (7):

CeGaT Center for Human Genetics Tuebingen
Classification: Likely benign. Last evaluated: 2026-08-01. Review status: criteria provided, single submitter. Criteria: CeGaT Center For Human Genetics Tuebingen Variant Classification Criteria Version 2. Collection method: clinical testing. Allele origin: germline. Affected: yes. Observed: 16 variant alleles.
Comment: MAGEL2: BP4, BP7, BS1

Labcorp Genetics (formerly Invitae), Labcorp
Classification: Benign. Last evaluated: 2025-12-25. Review status: criteria provided, single submitter. Criteria: Invitae Variant Classification Sherloc (09022015). Collection method: clinical testing. Allele origin: germline.

Blueprint Genetics
Classification: Likely benign. Last evaluated: 2024-11-25. Review status: criteria provided, single submitter. Criteria: ACMG Guidelines, 2015. Collection method: clinical testing. Allele origin: germline.

Eurofins Ntd Llc (ga)
Classification: Likely benign. Last evaluated: 2015-10-02. Review status: criteria provided, single submitter. Criteria: EGL Classification Definitions 2015. Collection method: clinical testing. Allele origin: germline. Observed: 1 variant allele, 1 heterozygote.

Breakthrough Genomics
Classification: Likely benign. Review status: criteria provided, single submitter. Criteria: ACMG Guidelines, 2015. Collection method: not provided. Allele origin: germline. Inheritance: Autosomal dominant inheritance. Affected: yes.

Clinical Genetics DNA and cytogenetics Diagnostics Lab, Erasmus MC, Erasmus Medical Center
Classification: Likely benign. Review status: no assertion criteria provided. Collection method: clinical testing. Allele origin: germline. Affected: yes. Study: VKGL Data-share Consensus. Not counted in ClinVar's aggregate classification.

Clinical Genetics, Academic Medical Center
Classification: Likely benign. Review status: no assertion criteria provided. Collection method: clinical testing. Allele origin: germline. Affected: yes. Study: VKGL Data-share Consensus. Not counted in ClinVar's aggregate classification.

NM_019066.5(MAGEL2):c.639A>C (p.Pro213=)

Gene: MAGEL2 (MAGE family member L2; minus strand). Cytogenetic location: 15q11.2.
Variant type: single nucleotide variant.
Coding change: c.639A>C on transcript NM_019066.5 (MANE Select); coding-DNA position 639, A replaced by C.
Protein change: p.Pro213=; no amino-acid change (proline 213 retained).
Molecular consequence: synonymous variant.
Genome position (GRCh38, 1-based): chr15:23,647,104, T>G on the plus strand (A>C on the coding strand, the complement: MAGEL2 is on the minus strand). VCF-style: chr15-23647104-T-G. GRCh37 (hg19) VCF-style: chr15-23892251-T-G.
Identifiers: ClinVar variation 283785 (VCV000283785.54), dbSNP rs886042708, ClinGen allele CA7430096.